The following is an entry in ClinVar:

NM_012281.3(KCND2):c.458A>T (p.Asp153Val)

Gene: KCND2 (potassium voltage-gated channel subfamily D member 2; plus strand). Cytogenetic location: 7q31.31.
Variant type: single nucleotide variant.
Coding change: c.458A>T on transcript NM_012281.3 (MANE Select); coding-DNA position 458, A replaced by T.
Protein change: p.Asp153Val; replaces aspartic acid 153 with valine.
Molecular consequence: missense variant.
Genome position (GRCh38, 1-based): chr7:120,275,090, A>T. VCF-style: chr7-120275090-A-T. GRCh37 (hg19) VCF-style: chr7-119915144-A-T.
Other names: c.458A>T (NM_012281.2); short protein forms D153V.
Identifiers: ClinVar variation 2421203 (VCV002421203.6), dbSNP rs1254929311, ClinGen allele CA369131654.

ClinVar aggregate classification (germline): Uncertain significance. Review status: criteria provided, multiple submitters, no conflicts (2 of 4 stars). 2 submissions from 2 submitters: Uncertain significance (2). Last evaluated 2024-11-04.

Conditions:
Early Myoclonic Encephalopathy. Identifiers: MedGen C0270855.

Submissions (2):

Labcorp Genetics (formerly Invitae), Labcorp
Classification: Uncertain significance for Early Myoclonic Encephalopathy. Last evaluated: 2024-11-04. Review status: criteria provided, single submitter. Criteria: Invitae Variant Classification Sherloc (09022015). Collection method: clinical testing. Allele origin: germline.
Comment: This sequence change replaces aspartic acid, which is acidic and polar, with valine, which is neutral and non-polar, at codon 153 of the KCND2 protein (p.Asp153Val). This variant is not present in population databases (gnomAD no frequency). This variant has not been reported in the literature in individuals affected with KCND2-related conditions. ClinVar contains an entry for this variant (Variation ID: 2421203). Invitae Evidence Modeling of protein sequence and biophysical properties (such as structural, functional, and spatial information, amino acid conservation, physicochemical variation, residue mobility, and thermodynamic stability) indicates that this missense variant is not expected to disrupt KCND2 protein function with a negative predictive value of 95%. In summary, the available evidence is currently insufficient to determine the role of this variant in disease. Therefore, it has been classified as a Variant of Uncertain Significance.

GeneDx
Classification: Uncertain significance. Last evaluated: 2023-12-07. Review status: criteria provided, single submitter. Criteria: GeneDx Variant Classification Process June 2021. Collection method: clinical testing. Allele origin: germline. Affected: yes.
Comment: Not observed at significant frequency in large population cohorts (gnomAD); In silico analysis supports that this missense variant does not alter protein structure/function; Has not been previously published as pathogenic or benign to our knowledge